The following is an entry in ClinVar:

NM_206943.4(LTBP1):c.3359-4A>G

Gene: LTBP1 (latent transforming growth factor beta binding protein 1; plus strand). Cytogenetic location: 2p22.3.
Variant type: single nucleotide variant.
Coding change: c.3359-4A>G on transcript NM_206943.4 (MANE Select); 4 bases into the intron before coding-DNA position 3359, A replaced by G.
Molecular consequence: intron variant.
Genome position (GRCh38, 1-based): chr2:33,301,518, A>G. VCF-style: chr2-33301518-A-G. GRCh37 (hg19) VCF-style: chr2-33526585-A-G.
Other names: c.3200-4A>G (NM_001394905.1); c.2138-4A>G (NM_001394916.1); c.2381-4A>G (NM_000627.4, NM_001394912.1, NM_001166264.2 and 1 more transcripts); c.2261-4A>G (NM_001394908.1); c.2255-4A>G (NM_001394909.1, NM_001394917.1); c.2378-4A>G (NM_001394906.1, NM_001394910.1, NM_001394919.1); c.2252-4A>G (NM_001394911.1); c.2297-4A>G (NM_001394915.1); and 6 more.
Identifiers: ClinVar variation 3341860 (VCV003341860.16).

ClinVar aggregate classification (germline): Uncertain significance (1 of 4 stars; one submission).

gnomAD v4.1: 53 of 1,588,840 alleles (0.0033%); highest among the groups gnomAD compares: South Asian, 0.038%; no homozygotes.

Submission:

CeGaT Center for Human Genetics Tuebingen
Classification: Uncertain significance. Last evaluated: 2024-08-01. Review status: criteria provided, single submitter. Criteria: CeGaT Center For Human Genetics Tuebingen Variant Classification Criteria Version 2. Collection method: clinical testing. Allele origin: germline. Affected: yes. Observed: 1 variant allele.
Comment: LTBP1: PM2, BP4